The following is an entry in ClinVar:

NM_020693.4(DSCAML1):c.5876G>A (p.Gly1959Glu)

Gene: DSCAML1 (DS cell adhesion molecule like 1; minus strand). Cytogenetic location: 11q23.3.
Variant type: single nucleotide variant.
Coding change: c.5876G>A on transcript NM_020693.4 (MANE Select); coding-DNA position 5876, G replaced by A.
Protein change: p.Gly1959Glu; replaces glycine 1959 with glutamic acid.
Molecular consequence: missense variant.
Genome position (GRCh38, 1-based): chr11:117,428,614, C>T on the plus strand (G>A on the coding strand, the complement: DSCAML1 is on the minus strand). VCF-style: chr11-117428614-C-T. GRCh37 (hg19) VCF-style: chr11-117299330-C-T.
Other names: short protein forms G1959E.
Identifiers: ClinVar variation 2720445 (VCV002720445.3), dbSNP rs778172814, ClinGen allele CA6295946.

ClinVar aggregate classification (germline): Uncertain significance (1 of 4 stars; one submission).

Allele frequency attached by ClinVar (database versions not stated): ExAC 0.00003.
gnomAD v4.1: 6 of 1,608,114 alleles (0.00037%); highest among the groups gnomAD compares: East Asian, 0.0022%; no homozygotes.

Submission:

Labcorp Genetics (formerly Invitae), Labcorp
Classification: Uncertain significance. Last evaluated: 2022-12-31. Review status: criteria provided, single submitter. Criteria: Invitae Variant Classification Sherloc (09022015). Collection method: clinical testing. Allele origin: germline.
Comment: Algorithms developed to predict the effect of missense changes on protein structure and function are either unavailable or do not agree on the potential impact of this missense change (SIFT: "Deleterious"; PolyPhen-2: "Benign"; Align-GVGD: "Class C0"). In summary, the available evidence is currently insufficient to determine the role of this variant in disease. Therefore, it has been classified as a Variant of Uncertain Significance. This variant has not been reported in the literature in individuals affected with DSCAML1-related conditions. This variant is present in population databases (rs778172814, gnomAD 0.006%). This sequence change replaces glycine, which is neutral and non-polar, with glutamic acid, which is acidic and polar, at codon 2019 of the DSCAML1 protein (p.Gly2019Glu).